The following is an entry in ClinVar:

ClinVar aggregate classification (germline): Pathogenic/Likely pathogenic. Review status: criteria provided, multiple submitters, no conflicts (2 of 4 stars). 2 submissions from 2 submitters: Pathogenic (1); Likely pathogenic (1). Last evaluated 2025-11-23.

Conditions:
Glycogen storage disease, type IV (GSD4). Also called: AMYLOPECTINOSIS; ANDERSEN DISEASE; BRANCHER DEFICIENCY; Glycogen storage disease due to glycogen branching enzyme deficiency; CIRRHOSIS, FAMILIAL, WITH DEPOSITION OF ABNORMAL GLYCOGEN; GBE1 DEFICIENCY. Identifiers: Orphanet 367, MedGen C0017923, MONDO:0009292, OMIM 232500.
Glycogen storage disease IV, classic hepatic. Also called: GSD IV, CLASSIC HEPATIC. Identifiers: MedGen C1856301.

Submissions (2):

Natera, Inc.
Classification: Likely pathogenic for Glycogen storage disease type IV. Last evaluated: 2025-11-23. Review status: criteria provided, single submitter. Criteria: Natera Variant Classification Schema (03/2026). Collection method: clinical testing. Allele origin: germline.
Comment: The c.302_303del variant in GBE1 is a frameshift variant predicted to shift the reading frame beginning at codon 101 and leads to a stop codon 4 codons downstream. This variant is expected to result in nonsense mediated decay, truncation, or a dysfunctional protein product. This variant is rare in the general population with a frequency below the threshold expected for the associated phenotype(s). Given the available evidence, this variant is classified as Likely Pathogenic.

Labcorp Genetics (formerly Invitae), Labcorp
Classification: Pathogenic for Glycogen storage disease, type IV; Glycogen storage disease IV, classic hepatic. Last evaluated: 2024-09-22. Review status: criteria provided, single submitter. Criteria: Invitae Variant Classification Sherloc (09022015). Collection method: clinical testing. Allele origin: germline.
Comment: This sequence change creates a premature translational stop signal (p.Thr101Argfs*4) in the GBE1 gene. It is expected to result in an absent or disrupted protein product. Loss-of-function variants in GBE1 are known to be pathogenic (PMID: 15452297, 20058079). This variant is not present in population databases (gnomAD no frequency). This variant has not been reported in the literature in individuals affected with GBE1-related conditions. For these reasons, this variant has been classified as Pathogenic.

Literature cited by the submitters: PubMed 15452297 (cited by Labcorp Genetics (formerly Invitae), Labcorp); PubMed 20058079 (cited by Labcorp Genetics (formerly Invitae), Labcorp).

NM_000158.4(GBE1):c.302_303del (p.Thr101fs)

Gene: GBE1 (1,4-alpha-glucan branching enzyme 1; minus strand). Cytogenetic location: 3p12.2.
Variant type: Deletion.
Coding change: c.302_303del on transcript NM_000158.4 (MANE Select); coding-DNA positions 302 to 303, 2 bases deleted (CT; older notation c.302_303delCT).
Protein change: p.Thr101fs; shifts the reading frame from threonine 101.
Molecular consequence: frameshift variant.
Genome position (GRCh38, 1-based): chr3:81,705,454-81,705,455, AG deleted on the plus strand (CT on the coding strand, the reverse complement: GBE1 is on the minus strand). VCF-style (leftmost placement, unchanged base first): chr3-81705453-CAG-C. GRCh37 (hg19) VCF-style: chr3-81754604-CAG-C.
Other names: c.302_303del (NM_000158.3); short protein forms T101fs.
Identifiers: ClinVar variation 3759201 (VCV003759201.3).